The following is an entry in ClinVar:

ClinVar aggregate classification (germline): Uncertain significance (1 of 4 stars; one submission).

Conditions:
Cohen syndrome (COH1). Also called: Cutis verticis gyrata, retinitis pigmentosa, and sensorineural deafness; PEPPER SYNDROME. Identifiers: Orphanet 193, MedGen C0265223, MONDO:0008999, OMIM 216550.

Allele frequency attached by ClinVar (database versions not stated): gnomAD exomes below 0.00001.
gnomAD v4.1: 2 of 1,614,188 alleles (0.00012%); highest among the groups gnomAD compares: Admixed American, 0.0017%; no homozygotes.

Submission:

Labcorp Genetics (formerly Invitae), Labcorp
Classification: Uncertain significance for Cohen syndrome. Last evaluated: 2022-07-15. Review status: criteria provided, single submitter. Criteria: Invitae Variant Classification Sherloc (09022015). Collection method: clinical testing. Allele origin: germline.
Comment: This sequence change replaces serine, which is neutral and polar, with asparagine, which is neutral and polar, at codon 1002 of the VPS13B protein (p.Ser1002Asn). This variant is not present in population databases (gnomAD no frequency). This variant has not been reported in the literature in individuals affected with VPS13B-related conditions. Algorithms developed to predict the effect of missense changes on protein structure and function are either unavailable or do not agree on the potential impact of this missense change (SIFT: "Not Available"; PolyPhen-2: "Possibly Damaging"; Align-GVGD: "Not Available"). In summary, the available evidence is currently insufficient to determine the role of this variant in disease. Therefore, it has been classified as a Variant of Uncertain Significance.

NM_152564.5(VPS13B):c.3005G>A (p.Ser1002Asn)

Gene: VPS13B (vacuolar protein sorting 13 homolog B; plus strand). Cytogenetic location: 8q22.2.
Variant type: single nucleotide variant.
Coding change: c.3005G>A on transcript NM_152564.5 (MANE Select); coding-DNA position 3005, G replaced by A.
Protein change: p.Ser1002Asn; replaces serine 1002 with asparagine.
Molecular consequence: missense variant.
Genome position (GRCh38, 1-based): chr8:99,391,627, G>A. VCF-style: chr8-99391627-G-A. GRCh37 (hg19) VCF-style: chr8-100403855-G-A.
Other names: c.3005G>A, p.Ser1002Asn (NM_017890.5); short protein forms S1002N.
Identifiers: ClinVar variation 1979593 (VCV001979593.1), dbSNP rs2489875384, ClinGen allele CA371865718.
Genomic context (GRCh38, chr8:99,391,627, plus strand): 5'-TAGCTGTTCCTCTTGTTATGCCAGTTTGTAGAAGGAAAGAGGATGAGGTGTCTATTGGAA[G>A]TGCCCCCTTGGCAAAGCAGCAATCATATCAGGCCTCTGAATATGCCAGCAGCCCTGTAAA-3'
Protein context (NP_689777.3, residues 992-1012): RRKEDEVSIG[Ser1002Asn]APLAKQQSYQ